The following is an entry in ClinVar:

NM_000260.4(MYO7A):c.1168C>T (p.Gln390Ter)

Gene: MYO7A (myosin VIIA; plus strand). Cytogenetic location: 11q13.5.
Variant type: single nucleotide variant.
Coding change: c.1168C>T on transcript NM_000260.4 (MANE Select); coding-DNA position 1168, C replaced by T.
Protein change: p.Gln390Ter; replaces glutamine 390 with a stop codon.
Molecular consequence: nonsense.
Genome position (GRCh38, 1-based): chr11:77,160,250, C>T. VCF-style: chr11-77160250-C-T. GRCh37 (hg19) VCF-style: chr11-76871296-C-T.
Other names: c.1168C>T, p.Gln390Ter (NM_001127180.2); c.1135C>T, p.Gln379Ter (NM_001369365.1); short protein forms Q379*, Q390*.
Identifiers: ClinVar variation 813428 (VCV000813428.10), dbSNP rs1555067598, ClinGen allele CA381934576.

ClinVar aggregate classification (germline): Pathogenic/Likely pathogenic. Review status: criteria provided, multiple submitters, no conflicts (2 of 4 stars). 4 submissions from 4 submitters: Pathogenic (1); Likely pathogenic (3). Last evaluated 2023-08-25.

Conditions:
Usher syndrome type 1 (USH1). Also called: RETINITIS PIGMENTOSA AND CONGENITAL DEAFNESS. Identifiers: Orphanet 231169, Orphanet 886, MedGen C1568247, MONDO:0010168, OMIM 276900.

Submissions (4):

Labcorp Genetics (formerly Invitae), Labcorp
Classification: Pathogenic. Last evaluated: 2023-08-25. Review status: criteria provided, single submitter. Criteria: Invitae Variant Classification Sherloc (09022015). Collection method: clinical testing. Allele origin: germline.
Comment: This sequence change creates a premature translational stop signal (p.Gln390*) in the MYO7A gene. It is expected to result in an absent or disrupted protein product. Loss-of-function variants in MYO7A are known to be pathogenic (PMID: 8900236, 25404053). This variant is not present in population databases (gnomAD no frequency). This variant has not been reported in the literature in individuals affected with MYO7A-related conditions. ClinVar contains an entry for this variant (Variation ID: 813428). For these reasons, this variant has been classified as Pathogenic.

Revvity Omics, Revvity
Classification: Likely pathogenic. Last evaluated: 2022-02-03. Review status: criteria provided, single submitter. Criteria: ACMG Guidelines, 2015. Collection method: clinical testing. Allele origin: germline.

Myriad Genetics, Inc.
Classification: Likely pathogenic for Usher syndrome type 1. Last evaluated: 2019-12-11. Review status: criteria provided, single submitter. Criteria: Myriad Women's Health Autosomal Recessive and X-Linked Classification Criteria (2019). Collection method: clinical testing. Allele origin: unknown.
Comment: NM_000260.3(MYO7A):c.1168C>T(Q390*) is expected to be pathogenic in the context of MYO7A-related disorders. This variant is predicted to lead to an abnormal or absent protein product due to the creation of a premature termination codon in MYO7A, a gene where loss-of-function variants are known to be pathogenic. Please note: this variant was assessed in the context of healthy population screening.

Baylor Genetics
Classification: Likely pathogenic for Usher syndrome type 1. Review status: criteria provided, single submitter. Criteria: ACMG Guidelines, 2015. Collection method: clinical testing. Allele origin: germline.

Literature cited by the submitters: PubMed 8900236 (cited by Labcorp Genetics (formerly Invitae), Labcorp); PubMed 25404053 (cited by Labcorp Genetics (formerly Invitae), Labcorp).